The following is an entry in ClinVar:

ClinVar aggregate classification (germline): Uncertain significance (1 of 4 stars; one submission).

Conditions:
Atrioventricular septal defect 5 (AVSD5). Identifiers: MedGen C3280939, MONDO:0013769, OMIM 614474.

gnomAD v4.1: 6 of 1,600,804 alleles (0.00037%); highest among the groups gnomAD compares: South Asian, 0.0044%; no homozygotes.

Submission:

Labcorp Genetics (formerly Invitae), Labcorp
Classification: Uncertain significance for Atrioventricular septal defect 5. Last evaluated: 2020-11-17. Review status: criteria provided, single submitter. Criteria: Invitae Variant Classification Sherloc (09022015). Collection method: clinical testing. Allele origin: germline.
Comment: This variant is not present in population databases (ExAC no frequency). This sequence change replaces alanine with serine at codon 153 of the GATA6 protein (p.Ala153Ser). The alanine residue is weakly conserved and there is a moderate physicochemical difference between alanine and serine. This variant has not been reported in the literature in individuals with GATA6-related conditions. Algorithms developed to predict the effect of missense changes on protein structure and function are either unavailable or do not agree on the potential impact of this missense change (SIFT: "Tolerated"; PolyPhen-2: "Possibly Damaging"; Align-GVGD: "Class C0"). In summary, the available evidence is currently insufficient to determine the role of this variant in disease. Therefore, it has been classified as a Variant of Uncertain Significance.

NM_005257.6(GATA6):c.457G>T (p.Ala153Ser)

Gene: GATA6 (GATA binding protein 6; plus strand). Cytogenetic location: 18q11.2.
Variant type: single nucleotide variant.
Coding change: c.457G>T on transcript NM_005257.6 (MANE Select); coding-DNA position 457, G replaced by T.
Protein change: p.Ala153Ser; replaces alanine 153 with serine.
Molecular consequence: missense variant.
Genome position (GRCh38, 1-based): chr18:22,171,601, G>T. VCF-style: chr18-22171601-G-T. GRCh37 (hg19) VCF-style: chr18-19751562-G-T.
Other names: short protein forms A153S.
Identifiers: ClinVar variation 1511675 (VCV001511675.8), dbSNP rs1354600110, ClinGen allele CA401799712.
Genomic context (GRCh38, chr18:22,171,601, plus strand): 5'-GGCGCCAAGCTGAGCCCCTTCGCACCCGAGCAGCCGGAGGAGATGTACCAGACCCTCGCC[G>T]CTCTCTCCAGCCAGGGTCCGGCCGCCTACGACGGCGCGCCCGGCGGCTTCGTGCACTCTG-3'
Protein context (NP_005248.2, residues 143-163): QPEEMYQTLA[Ala153Ser]LSSQGPAAYD